The following is an entry in ClinVar:

NM_153240.5(NPHP3):c.2745_2746del (p.Ser916fs)

Genes: NPHP3 (nephrocystin 3; minus strand), NPHP3-ACAD11 (NPHP3-ACAD11 readthrough (NMD candidate); minus strand). Cytogenetic location: 3q22.1.
Variant type: Deletion.
Coding change: c.2745_2746del on transcript NM_153240.5 (MANE Select); coding-DNA positions 2745 to 2746, 2 bases deleted (AA; older notation c.2745_2746delAA).
Protein change: p.Ser916fs; shifts the reading frame from serine 916.
Molecular consequence: frameshift variant. On other transcripts: non-coding transcript variant (1).
Genome position (GRCh38, 1-based): chr3:132,689,211-132,689,212, TT deleted on the plus strand (AA on the coding strand, the reverse complement: NPHP3 is on the minus strand); deleting any 2 consecutive bases within chr3:132,689,211-132,689,214 gives the same sequence; the c. name uses the placement nearest the transcript's 3' end. VCF-style (leftmost placement, unchanged base first): chr3-132689210-CTT-C. GRCh37 (hg19) VCF-style: chr3-132408054-CTT-C.
Other names: short protein forms S916fs.
Identifiers: ClinVar variation 4804909 (VCV004804909.1).

ClinVar aggregate classification (germline): Pathogenic (1 of 4 stars; one submission).

Conditions:
Nephronophthisis. Also called: Juvenile Nephronophthisis. Identifiers: Orphanet 655, MedGen C0687120, MONDO:0019005, HP:0000090.

Submission:

Labcorp Genetics (formerly Invitae), Labcorp
Classification: Pathogenic for Nephronophthisis. Last evaluated: 2026-01-14. Review status: criteria provided, single submitter. Criteria: Invitae Variant Classification Sherloc (09022015). Collection method: clinical testing. Allele origin: germline.
Comment: This sequence change creates a premature translational stop signal (p.Ser916Cysfs*14) in the NPHP3 gene. It is expected to result in an absent or disrupted protein product. Loss-of-function variants in NPHP3 are known to be pathogenic (PMID: 18371931, 23559409). This variant is not present in population databases (gnomAD no frequency). This variant has not been reported in the literature in individuals affected with NPHP3-related conditions. For these reasons, this variant has been classified as Pathogenic.

Literature cited by the submitters: PubMed 18371931; PubMed 23559409.